The following is an entry in ClinVar:

ClinVar aggregate classification (germline): Likely benign (1 of 4 stars; one submission).

Submission:

CeGaT Center for Human Genetics Tuebingen
Classification: Likely benign. Last evaluated: 2025-01-01. Review status: criteria provided, single submitter. Criteria: CeGaT Center For Human Genetics Tuebingen Variant Classification Criteria Version 2. Collection method: clinical testing. Allele origin: germline. Affected: yes. Observed: 1 variant allele.
Comment: ZCWPW1: BP4

NM_001386010.1(ZCWPW1):c.538G>A (p.Glu180Lys)

Gene: ZCWPW1 (zinc finger CW-type and PWWP domain containing 1; minus strand). Cytogenetic location: 7q22.1.
Variant type: single nucleotide variant.
Coding change: c.538G>A on transcript NM_001386010.1 (MANE Select); coding-DNA position 538, G replaced by A.
Protein change: p.Glu180Lys; replaces glutamic acid 180 with lysine.
Molecular consequence: missense variant. On other transcripts: non-coding transcript variant (2), intron variant (6).
Genome position (GRCh38, 1-based): chr7:100,416,398, C>T on the plus strand (G>A on the coding strand, the complement: ZCWPW1 is on the minus strand). VCF-style: chr7-100416398-C-T. GRCh37 (hg19) VCF-style: chr7-100014021-C-T.
Other names: c.334G>A, p.Glu112Lys (NM_001386009.1, NM_001386019.1, NM_001386023.1); c.538G>A, p.Glu180Lys (NM_001386013.1, NM_001386016.1, NM_001386017.1 and 5 more transcripts); c.-300-301G>A (NM_001388066.1); c.282+3232G>A (NM_001386008.1); c.361+2713G>A (NM_001386011.1, NM_001386012.1); c.29-301G>A (NM_001386015.1, NM_001386021.1); short protein forms E112K, E180K.
Identifiers: ClinVar variation 3770585 (VCV003770585.13).